The following is an entry in ClinVar:

ClinVar aggregate classification (germline): Uncertain significance (1 of 4 stars; one submission).

Conditions:
Arrhythmogenic right ventricular dysplasia 11. Also called: Arrhythmogenic right ventricular dysplasia 11 with mild palmoplantar keratoderma and woolly hair; Arrhythmogenic Right Ventricular Dysplasia/Cardiomyopathy11; ARRHYTHMOGENIC RIGHT VENTRICULAR DYSPLASIA, FAMILIAL, 11. Identifiers: MedGen C1864850, MONDO:0012506, OMIM 610476.

Allele frequency attached by ClinVar (database versions not stated): gnomAD exomes below 0.00001.
gnomAD v4.1: 1 of 1,585,398 alleles (0.000063%); highest among the groups gnomAD compares: Non-Finnish European, 0.000086%; no homozygotes.

Submission:

Labcorp Genetics (formerly Invitae), Labcorp
Classification: Uncertain significance for Arrhythmogenic right ventricular dysplasia 11. Last evaluated: 2018-07-31. Review status: criteria provided, single submitter. Criteria: Invitae Variant Classification Sherloc (09022015). Collection method: clinical testing. Allele origin: germline.
Comment: This sequence change replaces isoleucine with threonine at codon 685 of the DSC2 protein (p.Ile685Thr). The isoleucine residue is weakly conserved and there is a moderate physicochemical difference between isoleucine and threonine. This variant is not present in population databases (ExAC no frequency). This variant has not been reported in the literature in individuals with DSC2-related disease. Algorithms developed to predict the effect of missense changes on protein structure and function output the following: SIFT: "Tolerated"; PolyPhen-2: "Benign"; Align-GVGD: "Class C0". The threonine amino acid residue is found in multiple mammalian species, suggesting that this missense change does not adversely affect protein function. These predictions have not been confirmed by published functional studies and their clinical significance is uncertain. In summary, the available evidence is currently insufficient to determine the role of this variant in disease. Therefore, it has been classified as a Variant of Uncertain Significance.

NM_024422.6(DSC2):c.2054T>C (p.Ile685Thr)

Gene: DSC2 (desmocollin 2; minus strand). Cytogenetic location: 18q12.1.
Variant type: single nucleotide variant.
Coding change: c.2054T>C on transcript NM_024422.6 (MANE Select); coding-DNA position 2054, T replaced by C.
Protein change: p.Ile685Thr; replaces isoleucine 685 with threonine.
Molecular consequence: missense variant.
Genome position (GRCh38, 1-based): chr18:31,071,676, A>G on the plus strand (T>C on the coding strand, the complement: DSC2 is on the minus strand). VCF-style: chr18-31071676-A-G. GRCh37 (hg19) VCF-style: chr18-28651642-A-G.
Other names: c.2054T>C, p.Ile685Thr (NM_004949.5); short protein forms I685T.
Identifiers: ClinVar variation 649814 (VCV000649814.8), dbSNP rs1598573230, ClinGen allele CA402112962.